The following is an entry in ClinVar:

NM_003579.4(RAD54L):c.136T>G (p.Cys46Gly)

Gene: RAD54L (RAD54 like; plus strand). Cytogenetic location: 1p34.1.
Variant type: single nucleotide variant.
Coding change: c.136T>G on transcript NM_003579.4 (MANE Select); coding-DNA position 136, T replaced by G.
Protein change: p.Cys46Gly; replaces cysteine 46 with glycine.
Molecular consequence: missense variant. On other transcripts: 5 prime UTR variant (1).
Genome position (GRCh38, 1-based): chr1:46,250,045, T>G. VCF-style: chr1-46250045-T-G. GRCh37 (hg19) VCF-style: chr1-46715717-T-G.
Other names: c.136T>G, p.Cys46Gly (NM_001142548.2); c.-405T>G (NM_001370766.1); short protein forms C46G.
Identifiers: ClinVar variation 2466270 (VCV002466270.2), dbSNP rs1269546414, ClinGen allele CA340175816.
Genomic context (GRCh38, chr1:46,250,045, plus strand): 5'-AATTCTCTCTCCTAGACTCCTAGGAAACGGAAATCCAGCAGTGAGACCCAGATCCAGGAG[T>G]GTTTCCTGTCTCCTTTTCGGAAACCTTTGAGTCAGCTAACCAATCAACCACCTTGTCTGG-3'
Protein context (NP_003570.2, residues 36-56): KSSSETQIQE[Cys46Gly]FLSPFRKPLS

ClinVar aggregate classification (germline): Uncertain significance (1 of 4 stars; one submission).

Allele frequency attached by ClinVar (database versions not stated): gnomAD exomes 0.00001; TOPMed 0.00002.
gnomAD v4.1: 14 of 1,613,890 alleles (0.00087%); highest among the groups gnomAD compares: Non-Finnish European, 0.0012%; no homozygotes.

Submission:

Ambry Genetics
Classification: Uncertain significance. Last evaluated: 2023-03-12. Review status: criteria provided, single submitter. Criteria: Ambry Variant Classification Scheme 2023. Collection method: clinical testing. Allele origin: germline.
Comment: The p.C46G variant (also known as c.136T>G), located in coding exon 3 of the RAD54L gene, results from a T to G substitution at nucleotide position 136. The cysteine at codon 46 is replaced by glycine, an amino acid with highly dissimilar properties. This amino acid position is conserved. In addition, this alteration is predicted to be tolerated by in silico analysis. Since supporting evidence is limited at this time, the clinical significance of this alteration remains unclear.